The following is an entry in ClinVar:

NM_001114753.3(ENG):c.1385A>G (p.Gln462Arg)

Genes: ENG (endoglin; minus strand), LOC102723566 (uncharacterized LOC102723566; plus strand). Cytogenetic location: 9q34.11.
Variant type: single nucleotide variant.
Coding change: c.1385A>G on transcript NM_001114753.3 (MANE Select); coding-DNA position 1385, A replaced by G.
Protein change: p.Gln462Arg; replaces glutamine 462 with arginine.
Molecular consequence: missense variant.
Genome position (GRCh38, 1-based): chr9:127,818,759, T>C on the plus strand (A>G on the coding strand, the complement: ENG is on the minus strand). VCF-style: chr9-127818759-T-C. GRCh37 (hg19) VCF-style: chr9-130581038-T-C.
Other names: c.1385A>G, p.Gln462Arg (NM_000118.4); c.839A>G, p.Gln280Arg (NM_001278138.2); c.1385A>G (NM_001114753.1); short protein forms Q280R, Q462R.
Identifiers: ClinVar variation 1050878 (VCV001050878.11), dbSNP rs2131876977, ClinGen allele CA374977104.

ClinVar aggregate classification (germline): Uncertain significance. Review status: criteria provided, multiple submitters, no conflicts (2 of 4 stars). 2 submissions from 2 submitters: Uncertain significance (2). Last evaluated 2025-12-23.

Conditions:
Hereditary hemorrhagic telangiectasia (HHT). Also called: Osler hemorrhagic telangiectasia syndrome; ORW DISEASE; Osler Weber Rendu syndrome; OSLER-RENDU-WEBER DISEASE. Identifiers: Orphanet 774, MedGen C0039445, MONDO:0019180. Disease mechanism: loss of function.
Cardiovascular phenotype. Identifiers: MedGen CN230736.

Submissions (2):

Ambry Genetics
Classification: Uncertain significance for Cardiovascular phenotype. Last evaluated: 2025-12-23. Review status: criteria provided, single submitter. Criteria: Ambry Variant Classification Scheme 2023. Collection method: clinical testing. Allele origin: germline.
Comment: The p.Q462R variant (also known as c.1385A>G), located in coding exon 11 of the ENG gene, results from an A to G substitution at nucleotide position 1385. The glutamine at codon 462 is replaced by arginine, an amino acid with highly similar properties. This amino acid position is conserved. In addition, this alteration is predicted to be tolerated by in silico analysis. Based on the available evidence, the clinical significance of this variant remains unclear.

Labcorp Genetics (formerly Invitae), Labcorp
Classification: Uncertain significance for Hereditary hemorrhagic telangiectasia. Last evaluated: 2020-10-21. Review status: criteria provided, single submitter. Criteria: Invitae Variant Classification Sherloc (09022015). Collection method: clinical testing. Allele origin: germline.
Comment: In summary, the available evidence is currently insufficient to determine the role of this variant in disease. Therefore, it has been classified as a Variant of Uncertain Significance. Advanced modeling of protein sequence and biophysical properties (such as structural, functional, and spatial information, amino acid conservation, physicochemical variation, residue mobility, and thermodynamic stability) performed at Invitae indicates that this missense variant is not expected to disrupt ENG protein function. This variant has not been reported in the literature in individuals with ENG-related conditions. This variant is not present in population databases (ExAC no frequency). This sequence change replaces glutamine with arginine at codon 462 of the ENG protein (p.Gln462Arg). The glutamine residue is moderately conserved and there is a small physicochemical difference between glutamine and arginine.